The following is an entry in ClinVar:

NM_000719.7(CACNA1C):c.6008_6019del (p.Gly2003_Ser2006del)

Genes: CACNA1C (calcium voltage-gated channel subunit alpha1 C; plus strand), CACNA1C-AS1 (CACNA1C antisense RNA 1; minus strand). Cytogenetic location: 12p13.33.
Variant type: Deletion.
Coding change: c.6008_6019del on transcript NM_000719.7 (MANE Select); coding-DNA positions 6008 to 6019, 12 bases deleted (GGGGCAGCAGCG).
Protein change: p.Gly2003_Ser2006del.
Genome position (GRCh38, 1-based): chr12:2,688,670-2,688,681, GGGGCAGCAGCG deleted; deleting any 12 consecutive bases within chr12:2,688,667-2,688,681 gives the same sequence; the c. name uses the placement nearest the transcript's 3' end. VCF-style (leftmost placement, unchanged base first): chr12-2688666-GGCGGGGGCAGCA-G. GRCh37 (hg19) VCF-style: chr12-2797832-GGCGGGGGCAGCA-G.
Other names: c.6152_6163del, p.Gly2051_Ser2054del (NM_001129827.2); c.6131_6142del, p.Gly2044_Ser2047del (NM_001129829.2); c.6113_6124del, p.Gly2038_Ser2041del (NM_001129830.3, NM_001167624.3); c.6092_6103del, p.Gly2031_Ser2034del (NM_001129831.2); c.6068_6079del, p.Gly2023_Ser2026del (NM_001129832.2); c.6065_6076del, p.Gly2022_Ser2025del (NM_001129833.2, NM_001129834.2, NM_001129835.2); c.6059_6070del, p.Gly2020_Ser2023del (NM_001129836.2); c.6032_6043del, p.Gly2011_Ser2014del (NM_001129837.2, NM_001129838.2); and 6 more.
Identifiers: ClinVar variation 4076440 (VCV004076440.1).
Genomic context (GRCh38, chr12:2,688,666, plus strand): 5'-AAACTCAACAGCAGCTTCCCATCCATCCACTGCGGCTCCTGGGCTGAGACCACCCCCGGT[GGCGGGGGCAGCA>G]GCGCCGCCCGGAGAGTCCGGCCCGTCTCCCTCATGGTGCCCAGCCAGGCTGGGGCCCCAG-3'

ClinVar aggregate classification (germline): Uncertain significance (1 of 4 stars; one submission).

Conditions:
Cardiovascular phenotype. Identifiers: MedGen CN230736.

Submission:

Molecular Diagnostic Laboratory for Inherited Cardiovascular Disease, Montreal Heart Institute
Classification: Uncertain significance for Cardiovascular phenotype. Last evaluated: 2025-07-24. Review status: criteria provided, single submitter. Criteria: ACMG Guidelines, 2015. Collection method: clinical testing. Allele origin: germline. Affected: yes.
Comment: PM2, PM4